The following is an entry in ClinVar:

ClinVar aggregate classification (germline): Pathogenic (1 of 4 stars; one submission).

Conditions:
Combined immunodeficiency due to STK4 deficiency (IMD110). Also called: MST1 DEFICIENCY; STK4 DEFICIENCY; T-cell immunodeficiency, recurrent infections, and autoimmunity with or without cardiac malformations. Identifiers: Orphanet 314689, MedGen C3553943, MONDO:0013934, OMIM 614868.

Allele frequency attached by ClinVar (database versions not stated): gnomAD exomes below 0.00001; gnomAD 0.00001; TOPMed 0.00001.

Submission:

Labcorp Genetics (formerly Invitae), Labcorp
Classification: Pathogenic for Combined immunodeficiency due to STK4 deficiency. Last evaluated: 2024-01-04. Review status: criteria provided, single submitter. Criteria: Invitae Variant Classification Sherloc (09022015). Collection method: clinical testing. Allele origin: germline.
Comment: This sequence change creates a premature translational stop signal (p.Arg332*) in the STK4 gene. It is expected to result in an absent or disrupted protein product. Loss-of-function variants in STK4 are known to be pathogenic (PMID: 22174160). This variant is not present in population databases (gnomAD no frequency). This variant has not been reported in the literature in individuals affected with STK4-related conditions. For these reasons, this variant has been classified as Pathogenic.

Literature cited by the submitters: PubMed 22174160.

NM_006282.5(STK4):c.994C>T (p.Arg332Ter)

Gene: STK4 (serine/threonine kinase 4; plus strand). Cytogenetic location: 20q13.12.
Variant type: single nucleotide variant.
Coding change: c.994C>T on transcript NM_006282.5 (MANE Select); coding-DNA position 994, C replaced by T.
Protein change: p.Arg332Ter; replaces arginine 332 with a stop codon.
Molecular consequence: nonsense.
Genome position (GRCh38, 1-based): chr20:45,001,200, C>T. VCF-style: chr20-45001200-C-T. GRCh37 (hg19) VCF-style: chr20-43629841-C-T.
Other names: c.994C>T, p.Arg332Ter (NM_001352385.2); short protein forms R332*.
Identifiers: ClinVar variation 2993502 (VCV002993502.3), dbSNP rs2067832645, ClinGen allele CA409126529.